The following is an entry in ClinVar:

ClinVar aggregate classification (germline): Uncertain significance (1 of 4 stars; one submission).

Conditions:
Inborn genetic diseases. Identifiers: MedGen C0950123, MeSH D030342.

gnomAD v4.1: 1 of 1,611,694 alleles (0.000062%); highest among the groups gnomAD compares: Middle Eastern, 0.017%; no homozygotes.

Submission:

Ambry Genetics
Classification: Uncertain significance for Inborn genetic diseases. Last evaluated: 2024-04-29. Review status: criteria provided, single submitter. Criteria: Ambry Variant Classification Scheme 2023. Collection method: clinical testing. Allele origin: germline.
Comment: The p.K825M variant (also known as c.2474A>T), located in coding exon 19 of the LRRK2 gene, results from an A to T substitution at nucleotide position 2474. The lysine at codon 825 is replaced by methionine, an amino acid with similar properties. This amino acid position is conserved. In addition, the in silico prediction for this alteration is inconclusive. Based on the available evidence, the clinical significance of this variant remains unclear.

NM_198578.4(LRRK2):c.2474A>T (p.Lys825Met)

Gene: LRRK2 (leucine rich repeat kinase 2; plus strand). Cytogenetic location: 12q12.
Variant type: single nucleotide variant.
Coding change: c.2474A>T on transcript NM_198578.4 (MANE Select); coding-DNA position 2474, A replaced by T.
Protein change: p.Lys825Met; replaces lysine 825 with methionine.
Molecular consequence: missense variant.
Genome position (GRCh38, 1-based): chr12:40,284,107, A>T. VCF-style: chr12-40284107-A-T. GRCh37 (hg19) VCF-style: chr12-40677909-A-T.
Other names: short protein forms K825M.
Identifiers: ClinVar variation 3291878 (VCV003291878.1).